The following is an entry in ClinVar:

NM_006096.4(NDRG1):c.99+1G>A

Gene: NDRG1 (N-myc downstream regulated 1; minus strand). Cytogenetic location: 8q24.22.
Variant type: single nucleotide variant.
Coding change: c.99+1G>A on transcript NM_006096.4 (MANE Select); the canonical splice donor site of the intron after coding-DNA position 99, G replaced by A.
Molecular consequence: splice donor variant. On other transcripts: intron variant (1).
Genome position (GRCh38, 1-based): chr8:133,280,231, C>T on the plus strand (G>A on the coding strand, the complement: NDRG1 is on the minus strand). VCF-style: chr8-133280231-C-T. GRCh37 (hg19) VCF-style: chr8-134292474-C-T.
Other names: c.-99-15579G>A (NM_001258432.2); c.-100+1G>A (NM_001374847.1); c.-39+1G>A (NM_001258433.2); c.99+1G>A (NM_001374844.1, NM_001135242.2, NM_001374845.1 and 1 more transcripts).
Identifiers: ClinVar variation 1065993 (VCV001065993.7), dbSNP rs2130785568, ClinGen allele CA372247985.
Genomic context (GRCh38, chr8:133,280,231, plus strand): 5'-GAAAAAGGAAAAAGAGAAGACGGGATGAGGAAGGGGAAGGAAAGCCACATCCTCTACTTG[C>T]CTGGACATCAAACTCTTGCAGGAGGCCGGTGATGGTCTGTGAAAAGACAAAAAAAATTGT-3'

ClinVar aggregate classification (germline): Likely pathogenic (1 of 4 stars; one submission).

Conditions:
Charcot-Marie-Tooth disease type 4. Also called: Charcot-Marie-Tooth disease, type IV; Charcot-Marie-Tooth, Type 4. Identifiers: Orphanet 64749, MedGen C4082197, MONDO:0018995.

Allele frequency attached by ClinVar (database versions not stated): gnomAD exomes below 0.00001.
gnomAD v4.1: 1 of 1,614,086 alleles (0.000062%); highest among the groups gnomAD compares: Non-Finnish European, 0.000085%; no homozygotes.

Submission:

Labcorp Genetics (formerly Invitae), Labcorp
Classification: Likely pathogenic for Charcot-Marie-Tooth disease type 4. Last evaluated: 2020-08-27. Review status: criteria provided, single submitter. Criteria: Invitae Variant Classification Sherloc (09022015). Collection method: clinical testing. Allele origin: germline.
Comment: This sequence change affects a donor splice site in intron 3 of the NDRG1 gene. It is expected to disrupt RNA splicing and likely results in an absent or disrupted protein product. This variant is not present in population databases (ExAC no frequency). This variant has not been reported in the literature in individuals with NDRG1-related conditions. Algorithms developed to predict the effect of sequence changes on RNA splicing suggest that this variant may disrupt the consensus splice site, but this prediction has not been confirmed by published transcriptional studies. Donor and acceptor splice site variants typically lead to a loss of protein function (PMID: 16199547), and loss-of-function variants in NDRG1 are known to be pathogenic (PMID: 12872253, 23996628). In summary, the currently available evidence indicates that the variant is pathogenic, but additional data are needed to prove that conclusively. Therefore, this variant has been classified as Likely Pathogenic.

Literature cited by the submitters: PubMed 16199547; PubMed 12872253; PubMed 23996628.